The following is an entry in ClinVar:

NM_001267550.2(TTN):c.33418+1_33418+2delinsTGCC

Gene: TTN (titin; minus strand). Cytogenetic location: 2q31.2.
Variant type: Indel.
Coding change: c.33418+1_33418+2delinsTGCC on transcript NM_001267550.2 (MANE Select); the canonical splice donor site of the intron after coding-DNA position 33418, GT replaced by TGCC.
Molecular consequence: splice donor variant. On other transcripts: intron variant (3).
Genome position (GRCh38, 1-based): chr2:178,680,252-178,680,253, AC replaced by GGCA on the plus strand (GT replaced by TGCC on the coding strand, the reverse complement: TTN is on the minus strand). VCF-style: chr2-178680252-AC-GGCA. GRCh37 (hg19) VCF-style: chr2-179544979-AC-GGCA.
Other names: c.13283-37936_13283-37935delinsTGCC (NM_003319.4); c.13859-37936_13859-37935delinsTGCC (NM_133437.4); c.13658-37936_13658-37935delinsTGCC (NM_133432.3); c.29686+1_29686+2delinsTGCC (NM_133378.4); c.32467+1_32467+2delinsTGCC (NM_001256850.1).
Identifiers: ClinVar variation 3361770 (VCV003361770.1).
Genomic context (GRCh38, chr2:178,680,252, plus strand): 5'-AACTGAAGAGGAATTCAACAGCAAAAGACGAACAAAACATTAAAATGAGTGCCATTAGGT[AC>GGCA]CTCTAACAGGTGGTGCTACTTCTTTTCTAGGGACAGGTACTTTTTCTTCTGCGACAACCC-3'

ClinVar aggregate classification (germline): Uncertain significance (1 of 4 stars; one submission).

Submission:

GeneDx
Classification: Uncertain significance. Last evaluated: 2023-08-02. Review status: criteria provided, single submitter. Criteria: GeneDx Variant Classification Process June 2021. Collection method: clinical testing. Allele origin: germline. Affected: yes.
Comment: Not observed at significant frequency in large population cohorts (gnomAD); Canonical splice site variant in a gene or region of a gene for which loss of function is not a well-established mechanism of disease; Has not been previously published as pathogenic or benign to our knowledge